The following is an entry in ClinVar:

NM_005861.4(STUB1):c.195C>G (p.Asn65Lys)

Gene: STUB1 (STIP1 homology and U-box containing protein 1; plus strand). Cytogenetic location: 16p13.3.
Variant type: single nucleotide variant.
Coding change: c.195C>G on transcript NM_005861.4 (MANE Select); coding-DNA position 195, C replaced by G.
Protein change: p.Asn65Lys; replaces asparagine 65 with lysine.
Molecular consequence: missense variant. On other transcripts: 5 prime UTR variant (1).
Genome position (GRCh38, 1-based): chr16:681,187, C>G. VCF-style: chr16-681187-C-G. GRCh37 (hg19) VCF-style: chr16-731187-C-G.
Other names: c.-22C>G (NM_001293197.2); short protein forms N65K.
Identifiers: ClinVar variation 1334808 (VCV001334808.4), dbSNP rs2039644942, ClinGen allele CA394110258.
Genomic context (GRCh38, chr16:681,187, plus strand): 5'-CGGCTGGCCCGGCCTTGGTCCCTAGACCCGGAACCCGCTGGTGGCCGTGTATTACACCAA[C>G]CGGGCCTTGTGCTACCTGAAGATGCAGCAGCACGAGCAGGCCCTGGCCGACTGCCGGCGC-3'
Protein context (NP_005852.2, residues 55-75): RNPLVAVYYT[Asn65Lys]RALCYLKMQQ

ClinVar aggregate classification (germline): Uncertain significance (1 of 4 stars; one submission).

Submission:

Genetic Services Laboratory, University of Chicago
Classification: Uncertain significance. Last evaluated: 2021-03-18. Review status: criteria provided, single submitter. Criteria: ACMG Guidelines, 2015. Collection method: clinical testing. Allele origin: germline. Affected: no.
Comment: DNA sequence analysis of the STUB1 gene demonstrated a sequence change, c.195C>G, in exon 2 that results in an amino acid change, p.Asn65Lys. This sequence change is absent in the gnomAD population database This sequence change does not appear to have been previously described in patients with STUB1-related disorders. However, a different change affecting the same amino acid (p.Asn65Ser) has been described in the homozygous and heterozygous states in a few families with ataxia (PMIDs: 25258038, 32713943), and functional studies show p.Asn65Ser disrupts STUB1 function (PMIDs: 25258038, 28396517, 29317501). This p.Asn65Lys change affects a highly conserved amino acid residue located in the TPR domain of the STUB1 protein. The p.Asn65Lys substitution appears to be deleterious using several in-silico pathogenicity prediction tools (SIFT, PolyPhen2, REVEL). Due to the lack of functional studies, the clinical significance of the p.Asn65Lys change remains unknown at this time.